The following is an entry in ClinVar:

NM_002485.5(NBN):c.1538C>T (p.Pro513Leu)

Gene: NBN (nibrin; minus strand). Cytogenetic location: 8q21.3.
Variant type: single nucleotide variant.
Coding change: c.1538C>T on transcript NM_002485.5 (MANE Select); coding-DNA position 1538, C replaced by T.
Protein change: p.Pro513Leu; replaces proline 513 with leucine.
Molecular consequence: missense variant.
Genome position (GRCh38, 1-based): chr8:89,953,551, G>A on the plus strand (C>T on the coding strand, the complement: NBN is on the minus strand). VCF-style: chr8-89953551-G-A. GRCh37 (hg19) VCF-style: chr8-90965779-G-A.
Other names: c.1292C>T, p.Pro431Leu (NM_001024688.3); short protein forms P513L, P431L.
Identifiers: ClinVar variation 461512 (VCV000461512.9), dbSNP rs1554558440, ClinGen allele CA371655638.

ClinVar aggregate classification (germline): Uncertain significance. Review status: criteria provided, multiple submitters, no conflicts (2 of 4 stars). 2 submissions from 2 submitters: Uncertain significance (2). Last evaluated 2026-07-06.

Conditions:
Microcephaly, normal intelligence and immunodeficiency (NBS). Also called: Nijmegen breakage syndrome; Microcephaly with normal intelligence immunodeficiency and lymphoreticular malignancies; Nonsyndromal microcephaly autosomal recessive with normal intelligence; Seemanova syndrome 2; BERLIN BREAKAGE SYNDROME; IMMUNODEFICIENCY, MICROCEPHALY, AND CHROMOSOMAL INSTABILITY. Identifiers: Orphanet 647, MedGen C0398791, MONDO:0009623, OMIM 251260.
Hereditary cancer-predisposing syndrome. Also called: Neoplastic Syndromes, Hereditary; Hereditary neoplastic syndrome; Hereditary Cancer Syndrome; Tumor predisposition. Identifiers: Orphanet 140162, MedGen C0027672, MeSH D009386, MONDO:0015356.

Submissions (2):

Ambry Genetics
Classification: Uncertain significance for Hereditary cancer-predisposing syndrome. Last evaluated: 2026-07-06. Review status: criteria provided, single submitter. Criteria: Ambry Variant Classification Scheme 2023. Collection method: clinical testing. Allele origin: germline.
Comment: The p.P513L variant (also known as c.1538C>T), located in coding exon 11 of the NBN gene, results from a C to T substitution at nucleotide position 1538. The proline at codon 513 is replaced by leucine, an amino acid with similar properties. This amino acid position is conserved. In addition, this alteration is predicted to be tolerated by in silico analysis. Based on the available evidence, the clinical significance of this variant remains unclear.

Labcorp Genetics (formerly Invitae), Labcorp
Classification: Uncertain significance for Microcephaly, normal intelligence and immunodeficiency. Last evaluated: 2020-04-13. Review status: criteria provided, single submitter. Criteria: Invitae Variant Classification Sherloc (09022015). Collection method: clinical testing. Allele origin: germline.
Comment: In summary, the available evidence is currently insufficient to determine the role of this variant in disease. Therefore, it has been classified as a Variant of Uncertain Significance. Algorithms developed to predict the effect of missense changes on protein structure and function output the following: SIFT: "Tolerated"; PolyPhen-2: "Benign"; Align-GVGD: "Class C0". The leucine amino acid residue is found in multiple mammalian species, suggesting that this missense change does not adversely affect protein function. These predictions have not been confirmed by published functional studies and their clinical significance is uncertain. This variant has not been reported in the literature in individuals with NBN-related disease. This variant is not present in population databases (ExAC no frequency). This sequence change replaces proline with leucine at codon 513 of the NBN protein (p.Pro513Leu). The proline residue is weakly conserved and there is a moderate physicochemical difference between proline and leucine.